The following is an entry in ClinVar:

NM_000368.5(TSC1):c.1870A>G (p.Thr624Ala)

Gene: TSC1 (TSC complex subunit 1; minus strand). Cytogenetic location: 9q34.13.
Variant type: single nucleotide variant.
Coding change: c.1870A>G on transcript NM_000368.5 (MANE Select); coding-DNA position 1870, A replaced by G.
Protein change: p.Thr624Ala; replaces threonine 624 with alanine.
Molecular consequence: missense variant. On other transcripts: non-coding transcript variant (5).
Genome position (GRCh38, 1-based): chr9:132,905,708, T>C on the plus strand (A>G on the coding strand, the complement: TSC1 is on the minus strand). VCF-style: chr9-132905708-T-C. GRCh37 (hg19) VCF-style: chr9-135781095-T-C.
Other names: c.1870A>G, p.Thr624Ala (NM_001406595.1, NM_001406596.1, NM_001406601.1 and 7 more transcripts); c.1867A>G, p.Thr623Ala (NM_001406597.1, NM_001406598.1, NM_001406599.1 and 6 more transcripts); c.1507A>G, p.Thr503Ala (NM_001406614.1, NM_001406615.1, NM_001406616.1 and 5 more transcripts); c.1504A>G, p.Thr502Ala (NM_001406620.1, NM_001406621.1, NM_001406622.1 and 2 more transcripts); c.1717A>G, p.Thr573Ala (NM_001162427.2, NM_001406610.1); c.1714A>G, p.Thr572Ala (NM_001406611.1, NM_001406612.1, NM_001406613.1); c.919A>G, p.Thr307Ala (NM_001406626.1); c.916A>G, p.Thr306Ala (NM_001406627.1, NM_001406628.1); and 1 more; short protein forms T503A, T573A, T624A, T306A, T572A, T273A, T307A, T502A.
Identifiers: ClinVar variation 4554732 (VCV004554732.2).

ClinVar aggregate classification (germline): Uncertain significance. Review status: criteria provided, multiple submitters, no conflicts (2 of 4 stars). 2 submissions from 2 submitters: Uncertain significance (2). Last evaluated 2025-12-12.

Conditions:
Tuberous sclerosis 1 (TSC1). Identifiers: Orphanet 805, MedGen C1854465, MONDO:0008612, OMIM 191100.
Hereditary cancer-predisposing syndrome. Also called: Tumor predisposition; Hereditary Cancer Syndrome; Neoplastic Syndromes, Hereditary; Hereditary neoplastic syndrome. Identifiers: Orphanet 140162, MedGen C0027672, MeSH D009386, MONDO:0015356.

Submissions (2):

Ambry Genetics
Classification: Uncertain significance for Hereditary cancer-predisposing syndrome. Last evaluated: 2025-12-12. Review status: criteria provided, single submitter. Criteria: Ambry Variant Classification Scheme 2023. Collection method: clinical testing. Allele origin: germline.
Comment: The p.T624A variant (also known as c.1870A>G), located in coding exon 13 of the TSC1 gene, results from an A to G substitution at nucleotide position 1870. The threonine at codon 624 is replaced by alanine, an amino acid with similar properties. This amino acid position is conserved. In addition, the in silico prediction for this alteration is inconclusive. Based on the available evidence, the clinical significance of this variant remains unclear.

Labcorp Genetics (formerly Invitae), Labcorp
Classification: Uncertain significance for Tuberous sclerosis 1. Last evaluated: 2025-09-22. Review status: criteria provided, single submitter. Criteria: Invitae Variant Classification Sherloc (09022015). Collection method: clinical testing. Allele origin: germline.
Comment: This sequence change replaces threonine, which is neutral and polar, with alanine, which is neutral and non-polar, at codon 624 of the TSC1 protein (p.Thr624Ala). This variant is not present in population databases (gnomAD no frequency). This variant has not been reported in the literature in individuals affected with TSC1-related conditions. Invitae Evidence Modeling of protein sequence and biophysical properties (such as structural, functional, and spatial information, amino acid conservation, physicochemical variation, residue mobility, and thermodynamic stability) indicates that this missense variant is not expected to disrupt TSC1 protein function with a negative predictive value of 95%. In summary, the available evidence is currently insufficient to determine the role of this variant in disease. Therefore, it has been classified as a Variant of Uncertain Significance.